The following is an entry in ClinVar:

ClinVar aggregate classification (germline): Uncertain significance. Review status: criteria provided, multiple submitters, no conflicts (2 of 4 stars). 3 submissions from 3 submitters: Uncertain significance (3). Last evaluated 2022-05-02.

Conditions:
Hereditary cancer-predisposing syndrome. Also called: Hereditary neoplastic syndrome; Tumor predisposition; Neoplastic Syndromes, Hereditary; Hereditary Cancer Syndrome. Identifiers: Orphanet 140162, MedGen C0027672, MeSH D009386, MONDO:0015356.
Familial adenomatous polyposis 1 (FAP1). Also called: FAMILIAL ADENOMATOUS POLYPOSIS 1, ATTENUATED; POLYPOSIS, ADENOMATOUS INTESTINAL. Identifiers: MedGen C2713442, MONDO:0021056, OMIM 175100. Disease mechanism: loss of function.

Allele frequency attached by ClinVar (database versions not stated): gnomAD exomes below 0.00001.
gnomAD v4.1: 1 of 1,614,024 alleles (0.000062%); highest among the groups gnomAD compares: Non-Finnish European, 0.000085%; no homozygotes.

Submissions (3):

Ambry Genetics
Classification: Uncertain significance for Hereditary cancer-predisposing syndrome. Last evaluated: 2022-05-02. Review status: criteria provided, single submitter. Criteria: Ambry Variant Classification Scheme 2023. Collection method: clinical testing. Allele origin: germline.
Comment: The p.K2052R variant (also known as c.6155A>G), located in coding exon 15 of the APC gene, results from an A to G substitution at nucleotide position 6155. The lysine at codon 2052 is replaced by arginine, an amino acid with highly similar properties. This amino acid position is not well conserved in available vertebrate species, and arginine is the reference amino acid in other vertebrate species. In addition, in silico predictors for this gene do not accurately predict pathogenicity. Since supporting evidence is limited at this time, the clinical significance of this alteration remains unclear.

Labcorp Genetics (formerly Invitae), Labcorp
Classification: Uncertain significance for Familial adenomatous polyposis 1. Last evaluated: 2021-10-27. Review status: criteria provided, single submitter. Criteria: Invitae Variant Classification Sherloc (09022015). Collection method: clinical testing. Allele origin: germline.
Comment: In summary, the available evidence is currently insufficient to determine the role of this variant in disease. Therefore, it has been classified as a Variant of Uncertain Significance. Algorithms developed to predict the effect of missense changes on protein structure and function output the following: SIFT: "Tolerated"; PolyPhen-2: "Benign"; Align-GVGD: "Class C0". The arginine amino acid residue is found in multiple mammalian species, which suggests that this missense change does not adversely affect protein function. This variant has not been reported in the literature in individuals affected with APC-related conditions. This variant is not present in population databases (gnomAD no frequency). This sequence change replaces lysine, a(n) basic and polar amino acid, with arginine, a(n) basic and polar amino acid, at codon 2052 of the APC protein (p.Lys2052Arg).

Sema4
Classification: Uncertain significance for Hereditary cancer-predisposing syndrome. Last evaluated: 2021-10-27. Review status: criteria provided, single submitter. Criteria: Sema4 Curation Guidelines. Collection method: curation. Allele origin: germline.
Comment: The APC c.6155A>G (p.K2052R) variant has not been reported in the literature to our knowledge. It was not observed in the large and broad cohorts of the Genome Aggregation Database or in ClinVar. Functional studies have not been performed, and in silico predictions of the variant's effect on protein function are inconclusive. The evidence is insufficient to meet ACMG/AMP criteria for classifying the variant as benign or pathogenic. Thus, the clinical significance of this variant is currently uncertain.

NM_000038.6(APC):c.6155A>G (p.Lys2052Arg)

Gene: APC (APC regulator of Wnt signaling pathway; plus strand). Cytogenetic location: 5q22.2.
Variant type: single nucleotide variant.
Coding change: c.6155A>G on transcript NM_000038.6 (MANE Select); coding-DNA position 6155, A replaced by G.
Protein change: p.Lys2052Arg; replaces lysine 2052 with arginine.
Molecular consequence: missense variant.
Genome position (GRCh38, 1-based): chr5:112,841,749, A>G. VCF-style: chr5-112841749-A-G. GRCh37 (hg19) VCF-style: chr5-112177446-A-G.
Other names: c.6155A>G, p.Lys2052Arg (NM_001127510.3, NM_001354895.2); c.6101A>G, p.Lys2034Arg (NM_001127511.3); c.6209A>G, p.Lys2070Arg (NM_001354896.2); c.6185A>G, p.Lys2062Arg (NM_001354897.2); c.6080A>G, p.Lys2027Arg (NM_001354898.2); c.6071A>G, p.Lys2024Arg (NM_001354899.2); c.6032A>G, p.Lys2011Arg (NM_001354900.2); c.5978A>G, p.Lys1993Arg (NM_001354901.2); and 5 more; short protein forms K1769R, K1892R, K2027R, K2052R, K1926R, K2062R, K1951R, K2011R.
Identifiers: ClinVar variation 1347404 (VCV001347404.9), dbSNP rs1580668250, ClinGen allele CA16034810.
Genomic context (GRCh38, chr5:112,841,749, plus strand): 5'-TTGACTCTGAAGATGACCTGTTGCAGGAATGTATAAGCTCCGCAATGCCAAAAAAGAAAA[A>G]GCCTTCAAGACTCAAGGGTGATAATGAAAAACATAGTCCCAGAAATATGGGTGGCATATT-3'
Protein context (NP_000029.2, residues 2042-2062): CISSAMPKKK[Lys2052Arg]PSRLKGDNEK